The following is an entry in ClinVar:

NM_000143.4(FH):c.524T>G (p.Val175Gly)

Gene: FH (fumarate hydratase; minus strand). Cytogenetic location: 1q43.
Variant type: single nucleotide variant.
Coding change: c.524T>G on transcript NM_000143.4 (MANE Select); coding-DNA position 524, T replaced by G.
Protein change: p.Val175Gly; replaces valine 175 with glycine.
Molecular consequence: missense variant.
Genome position (GRCh38, 1-based): chr1:241,511,998, A>C on the plus strand (T>G on the coding strand, the complement: FH is on the minus strand). VCF-style: chr1-241511998-A-C. GRCh37 (hg19) VCF-style: chr1-241675298-A-C.
Other names: short protein forms V175G.
Identifiers: ClinVar variation 1746359 (VCV001746359.2), dbSNP rs2527332504, ClinGen allele CA345439911.
Genomic context (GRCh38, chr1:241,511,998, plus strand): 5'-CCAAAAAACAGCAAAGCTCACATACTGACCTGGCTTTTATTAACATGATCGTTGGGATGC[A>C]CAGGTATCTTGCTGCCAAGTTCACCTCCTAACATTTCAATTGCTCTATTGCTAATGACTT-3'
Protein context (NP_000134.2, residues 165-185): LGGELGSKIP[Val175Gly]HPNDHVNKSQ

ClinVar aggregate classification (germline): Likely pathogenic (1 of 4 stars; one submission).

Conditions:
Hereditary cancer-predisposing syndrome. Also called: Hereditary Cancer Syndrome; Neoplastic Syndromes, Hereditary; Tumor predisposition; Hereditary neoplastic syndrome. Identifiers: Orphanet 140162, MedGen C0027672, MeSH D009386, MONDO:0015356.

Submission:

Ambry Genetics
Classification: Likely pathogenic for Hereditary cancer-predisposing syndrome. Last evaluated: 2021-07-20. Review status: criteria provided, single submitter. Criteria: Ambry Variant Classification Scheme 2023. Collection method: clinical testing. Allele origin: germline.
Comment: The p.V175G variant (also known as c.524T>G), located in coding exon 4 of the FH gene, results from a T to G substitution at nucleotide position 524. The valine at codon 175 is replaced by glycine, an amino acid with dissimilar properties. Based on internal structural analysis, V175G decreases the structure stability (Ajalla Aleixo MA et al. FEBS J, 2019 05;286:1925-1940; Ambry internal data). This amino acid position is highly conserved in available vertebrate species. In addition, this alteration is predicted to be deleterious by in silico analysis. This variant is considered to be rare based on population cohorts in the Genome Aggregation Database (gnomAD). Based on the majority of available evidence to date, this variant is likely to be pathogenic.

Literature cited by the submitters: PubMed 30761759.